The following is an entry in ClinVar:

NM_001366900.1(TTC21A):c.3882C>T (p.Pro1294=)

Gene: TTC21A (tetratricopeptide repeat domain 21A; plus strand). Cytogenetic location: 3p22.2.
Variant type: single nucleotide variant.
Coding change: c.3882C>T on transcript NM_001366900.1 (MANE Select); coding-DNA position 3882, C replaced by T.
Protein change: p.Pro1294=; no amino-acid change (proline 1294 retained).
Molecular consequence: synonymous variant. On other transcripts: non-coding transcript variant (3).
Genome position (GRCh38, 1-based): chr3:39,138,728, C>T. VCF-style: chr3-39138728-C-T. GRCh37 (hg19) VCF-style: chr3-39180219-C-T.
Other names: c.3759C>T, p.Pro1253= (NM_001105513.3); c.3906C>T, p.Pro1302= (NM_001366899.1); c.3903C>T, p.Pro1301= (NM_145755.3).
Identifiers: ClinVar variation 3041168 (VCV003041168.2), dbSNP rs2293313, ClinGen allele CA2325200.
Genomic context (GRCh38, chr3:39,138,728, plus strand): 5'-GAAACCTGCATGATACTGCACACCCATTCTCTCTCTGTTCCAGGTCCTCAGGGAGCACCC[C>T]GACTACCCCAAGATCAGGGAGGAAATTTTGGAAAAGGCCCGAAGGTCCCTGAGGCCCTAG-3'
Protein context (NP_001353829.1, residues 1284-1304): EICNDVLREH[Pro1294=]DYPKIREEIL

ClinVar aggregate classification (germline): Benign (0 of 4 stars; one submission).

Conditions:
TTC21A-related disorder. Also called: TTC21A-related condition.

Allele frequency attached by ClinVar (database versions not stated): gnomAD exomes 0.01952; ESP Exome Variant Server 0.03071; gnomAD 0.03359; ExAC 0.03457; TOPMed 0.03841; 1000 Genomes Project 30x 0.05949; 1000 Genomes Project 0.06030.
gnomAD v4.1: 33,821 of 1,613,946 alleles (2.1%); highest among the groups gnomAD compares: East Asian, 14%; 941 homozygotes.

Submission:

PreventionGenetics, part of Exact Sciences
Classification: Benign for TTC21A-related condition. Last evaluated: 2020-01-13. Review status: no assertion criteria provided. Collection method: clinical testing. Allele origin: germline.
Comment: This variant is classified as benign based on ACMG/AMP sequence variant interpretation guidelines (Richards et al. 2015 PMID: 25741868, with internal and published modifications).